The following is an entry in ClinVar:

ClinVar aggregate classification (germline): Conflicting classifications of pathogenicity. Review status: criteria provided, conflicting classifications (1 of 4 stars). 5 submissions from 5 submitters: Uncertain significance (1); Benign (1); Likely benign (3). Last evaluated 2026-01-24.

Conditions:
Primary ciliary dyskinesia. Also called: Ciliary dyskinesia. Identifiers: Orphanet 244, MedGen C0008780, MONDO:0016575, HP:0012265.
Primary ciliary dyskinesia 3. Identifiers: Orphanet 244, MedGen C1837618, MONDO:0012085, OMIM 608644.

Allele frequency attached by ClinVar (database versions not stated): gnomAD 0.00070; ExAC 0.00079; 1000 Genomes Project 0.00080; TOPMed 0.00080; ESP Exome Variant Server 0.00085; gnomAD exomes 0.00090 and 0.00094; 1000 Genomes Project 30x 0.00094.
gnomAD v4.1: 1,452 of 1,605,386 alleles (0.09%); highest among the groups gnomAD compares: Middle Eastern, 0.58%; 5 homozygotes.

Submissions (5):

Labcorp Genetics (formerly Invitae), Labcorp
Classification: Benign for Primary ciliary dyskinesia. Last evaluated: 2026-01-24. Review status: criteria provided, single submitter. Criteria: Invitae Variant Classification Sherloc (09022015). Collection method: clinical testing. Allele origin: germline.

Blueprint Genetics
Classification: Likely benign. Last evaluated: 2024-11-26. Review status: criteria provided, single submitter. Criteria: ACMG Guidelines, 2015. Collection method: clinical testing. Allele origin: germline.

Illumina Laboratory Services, Illumina
Classification: Uncertain significance for Primary ciliary dyskinesia 3. Last evaluated: 2018-01-12. Review status: criteria provided, single submitter. Criteria: ICSL Variant Classification Criteria 13 December 2019. Collection method: clinical testing. Allele origin: germline.

Laboratory for Molecular Medicine, Mass General Brigham Personalized Medicine
Classification: Likely benign. Last evaluated: 2016-06-07. Review status: criteria provided, single submitter. Criteria: LMM Criteria. Collection method: clinical testing. Allele origin: germline. Observed: 1 variant allele.
Comment: c.8224+15G>A in intron 49 of DNAH5: This variant is not expected to have clinica l significance because it is not located within the conserved splice consensus s equence. It has been identified in 0.1% (79/66666) of European chromosomes by th e Exome Aggregation Consortium (ExAC; dbSNP rs14 8099176).

PreventionGenetics, part of Exact Sciences
Classification: Likely benign. Review status: criteria provided, single submitter. Criteria: ACMG Guidelines, 2015. Collection method: clinical testing. Allele origin: germline.

NM_001369.3(DNAH5):c.8224+15G>A

Gene: DNAH5 (dynein axonemal heavy chain 5; minus strand). Cytogenetic location: 5p15.2.
Variant type: single nucleotide variant.
Coding change: c.8224+15G>A on transcript NM_001369.3 (MANE Select); 15 bases into the intron after coding-DNA position 8224, G replaced by A.
Molecular consequence: intron variant.
Genome position (GRCh38, 1-based): chr5:13,793,500, C>T on the plus strand (G>A on the coding strand, the complement: DNAH5 is on the minus strand). VCF-style: chr5-13793500-C-T. GRCh37 (hg19) VCF-style: chr5-13793609-C-T.
Identifiers: ClinVar variation 258062 (VCV000258062.18), dbSNP rs148099176, ClinGen allele CA3202871.